The following is an entry in ClinVar:

ClinVar aggregate classification (germline): Conflicting classifications of pathogenicity. Review status: criteria provided, conflicting classifications (1 of 4 stars). 2 submissions from 2 submitters: Likely pathogenic (1); Uncertain significance (1). Last evaluated 2024-02-28.

Conditions:
Early-infantile DEE. Also called: Ohtahara syndrome; Early infantile epileptic encephalopathy with suppression bursts; Early infantile epileptic encephalopathy. Identifiers: Orphanet 1934, MedGen C0393706, MONDO:0800491.

Submissions (2):

GeneDx
Classification: Likely pathogenic. Last evaluated: 2024-02-28. Review status: criteria provided, single submitter. Criteria: GeneDx Variant Classification Process June 2021. Collection method: clinical testing. Allele origin: germline. Affected: yes.
Comment: Not observed at significant frequency in large population cohorts (gnomAD); In silico analysis supports that this missense variant has a deleterious effect on protein structure/function; Has not been previously published as pathogenic or benign to our knowledge; This substitution is predicted to be in the intracellular loop between the S4 and S5 transmembrane segments of the fourth homologous domain.; This variant is associated with the following publications: (PMID: 21555645)

Labcorp Genetics (formerly Invitae), Labcorp
Classification: Uncertain significance for Early-infantile DEE. Last evaluated: 2019-05-04. Review status: criteria provided, single submitter. Criteria: Invitae Variant Classification Sherloc (09022015). Collection method: clinical testing. Allele origin: germline.
Comment: In summary, the available evidence is currently insufficient to determine the role of this variant in disease. Therefore, it has been classified as a Variant of Uncertain Significance. This variant disrupts the p.Ala1669 amino acid residue in SCN1A. Other variant(s) that disrupt this residue have been determined to be pathogenic (PMID: 27113213). This suggests that this residue is clinically significant, and that variants that disrupt this residue are likely to be disease-causing. Algorithms developed to predict the effect of missense changes on protein structure and function (SIFT, PolyPhen-2, Align-GVGD) all suggest that this variant is likely to be disruptive, but these predictions have not been confirmed by published functional studies and their clinical significance is uncertain. This variant has not been reported in the literature in individuals with SCN1A-related conditions. This variant is not present in population databases (ExAC no frequency). This sequence change replaces alanine with valine at codon 1669 of the SCN1A protein (p.Ala1669Val). The alanine residue is highly conserved and there is a small physicochemical difference between alanine and valine.

Literature cited by the submitters: PubMed 27113213 (cited by Labcorp Genetics (formerly Invitae), Labcorp).

NM_001165963.4(SCN1A):c.5006C>T (p.Ala1669Val)

Genes: SCN1A (sodium voltage-gated channel alpha subunit 1; minus strand), LOC102724058 (uncharacterized LOC102724058; plus strand). Cytogenetic location: 2q24.3.
Variant type: single nucleotide variant.
Coding change: c.5006C>T on transcript NM_001165963.4 (MANE Select); coding-DNA position 5006, C replaced by T.
Protein change: p.Ala1669Val; replaces alanine 1669 with valine.
Molecular consequence: missense variant. On other transcripts: non-coding transcript variant (1).
Genome position (GRCh38, 1-based): chr2:165,992,269, G>A on the plus strand (C>T on the coding strand, the complement: SCN1A is on the minus strand). VCF-style: chr2-165992269-G-A. GRCh37 (hg19) VCF-style: chr2-166848779-G-A.
Other names: c.4922C>T, p.Ala1641Val (NM_001165964.3, NM_001353957.2, NM_001353958.2); c.5006C>T, p.Ala1669Val (NM_001202435.3, NM_001353948.2); c.4973C>T, p.Ala1658Val (NM_001353949.2, NM_001353950.2, NM_001353951.2 and 2 more transcripts); c.4970C>T, p.Ala1657Val (NM_001353954.2, NM_001353955.2); c.4919C>T, p.Ala1640Val (NM_001353960.2); c.2564C>T, p.Ala855Val (NM_001353961.2); short protein forms A1641V, A1658V, A1640V, A855V, A1657V, A1669V.
Identifiers: ClinVar variation 839935 (VCV000839935.11), dbSNP rs397514458, ClinGen allele CA349069752.